The following is an entry in ClinVar:

NM_002382.5(MAX):c.36+3G>A

Genes: MAX (MYC associated transcriptional regulator X; minus strand), LOC130055850 (ATAC-STARR-seq lymphoblastoid silent region 5847; plus strand). Cytogenetic location: 14q23.3.
Variant type: single nucleotide variant.
Coding change: c.36+3G>A on transcript NM_002382.5 (MANE Select); 3 bases into the intron after coding-DNA position 36, G replaced by A.
Molecular consequence: intron variant.
Genome position (GRCh38, 1-based): chr14:65,102,301, C>T on the plus strand (G>A on the coding strand, the complement: MAX is on the minus strand). VCF-style: chr14-65102301-C-T. GRCh37 (hg19) VCF-style: chr14-65569019-C-T.
Other names: c.36+3G>A (NM_001271069.2, NM_197957.4, NM_001407095.1 and 18 more transcripts); c.-305+208G>A (NM_001407112.1); c.-239+208G>A (NM_001407106.1); c.-212+3G>A (NM_001407107.1); c.-239+3G>A (NM_001320415.2).
Identifiers: ClinVar variation 4703202 (VCV004703202.1).

ClinVar aggregate classification (germline): Uncertain significance (1 of 4 stars; one submission).

Conditions:
Hereditary pheochromocytoma and paraganglioma. Also called: Hereditary pheochromocytoma-paraganglioma; Hereditary Paraganglioma-Pheochromocytoma Syndromes; Hereditary paragangliomas and pheochromocytomas. Identifiers: Orphanet 29072, MedGen C4274332, MONDO:0017366.

Submission:

Labcorp Genetics (formerly Invitae), Labcorp
Classification: Uncertain significance for Hereditary pheochromocytoma and paraganglioma. Last evaluated: 2025-06-20. Review status: criteria provided, single submitter. Criteria: Invitae Variant Classification Sherloc (09022015). Collection method: clinical testing. Allele origin: germline.
Comment: This sequence change falls in intron 1 of the MAX gene. It does not directly change the encoded amino acid sequence of the MAX protein. It affects a nucleotide within the consensus splice site. This variant is not present in population databases (gnomAD no frequency). This variant has not been reported in the literature in individuals affected with MAX-related conditions. Variants that disrupt the consensus splice site are a relatively common cause of aberrant splicing (PMID: 17576681, 9536098). Algorithms developed to predict the effect of sequence changes on RNA splicing suggest that this variant is not likely to affect RNA splicing. In summary, the available evidence is currently insufficient to determine the role of this variant in disease. Therefore, it has been classified as a Variant of Uncertain Significance.

Literature cited by the submitters: PubMed 17576681; PubMed 9536098.